The following is an entry in ClinVar:

NM_024537.4(CARS2):c.937G>A (p.Gly313Ser)

Gene: CARS2 (cysteinyl-tRNA synthetase 2, mitochondrial; minus strand). Cytogenetic location: 13q34.
Variant type: single nucleotide variant.
Coding change: c.937G>A on transcript NM_024537.4 (MANE Select); coding-DNA position 937, G replaced by A.
Protein change: p.Gly313Ser; replaces glycine 313 with serine.
Molecular consequence: missense variant. On other transcripts: 3 prime UTR variant (1), non-coding transcript variant (2).
Genome position (GRCh38, 1-based): chr13:110,663,501, C>T on the plus strand (G>A on the coding strand, the complement: CARS2 is on the minus strand). VCF-style: chr13-110663501-C-T. GRCh37 (hg19) VCF-style: chr13-111315848-C-T.
Other names: c.151G>A, p.Gly51Ser (NM_001352252.2); c.*409G>A (NM_001352253.3); c.937G>A (NM_024537.2); short protein forms G313S, G51S.
Identifiers: ClinVar variation 1425462 (VCV001425462.4), dbSNP rs760461507, ClinGen allele CA7052022.

ClinVar aggregate classification (germline): Uncertain significance. Review status: criteria provided, multiple submitters, no conflicts (2 of 4 stars). 2 submissions from 2 submitters: Uncertain significance (2). Last evaluated 2024-07-28.

Conditions:
Inborn genetic diseases. Identifiers: MedGen C0950123, MeSH D030342.
Combined oxidative phosphorylation defect type 27. Also called: Combined oxidative phosphorylation deficiency 27. Identifiers: Orphanet 477774, MedGen C5567608, MONDO:0014728, OMIM 616672.

Allele frequency attached by ClinVar (database versions not stated): gnomAD exomes below 0.00001; ExAC 0.00001; gnomAD 0.00001; TOPMed 0.00002.

Submissions (2):

Ambry Genetics
Classification: Uncertain significance for Inborn genetic diseases. Last evaluated: 2024-07-28. Review status: criteria provided, single submitter. Criteria: Ambry Variant Classification Scheme 2023. Collection method: clinical testing. Allele origin: germline.

Labcorp Genetics (formerly Invitae), Labcorp
Classification: Uncertain significance for Combined oxidative phosphorylation defect type 27. Last evaluated: 2022-09-27. Review status: criteria provided, single submitter. Criteria: Invitae Variant Classification Sherloc (09022015). Collection method: clinical testing. Allele origin: germline.
Comment: This sequence change replaces glycine, which is neutral and non-polar, with serine, which is neutral and polar, at codon 313 of the CARS2 protein (p.Gly313Ser). This variant is present in population databases (rs760461507, gnomAD 0.0009%). This variant has not been reported in the literature in individuals affected with CARS2-related conditions. ClinVar contains an entry for this variant (Variation ID: 1425462). Advanced modeling of protein sequence and biophysical properties (such as structural, functional, and spatial information, amino acid conservation, physicochemical variation, residue mobility, and thermodynamic stability) performed at Invitae indicates that this missense variant is not expected to disrupt CARS2 protein function. In summary, the available evidence is currently insufficient to determine the role of this variant in disease. Therefore, it has been classified as a Variant of Uncertain Significance.